The following is an entry in ClinVar:

NM_173689.7(CRB2):c.153C>T (p.Thr51=)

Gene: CRB2 (crumbs cell polarity complex component 2; plus strand). Cytogenetic location: 9q33.3.
Variant type: single nucleotide variant.
Coding change: c.153C>T on transcript NM_173689.7 (MANE Select); coding-DNA position 153, C replaced by T.
Protein change: p.Thr51=; no amino-acid change (threonine 51 retained).
Molecular consequence: synonymous variant.
Genome position (GRCh38, 1-based): chr9:123,362,923, C>T. VCF-style: chr9-123362923-C-T. GRCh37 (hg19) VCF-style: chr9-126125202-C-T.
Other names: c.153C>T (NM_173689.6).
Identifiers: ClinVar variation 1136463 (VCV001136463.34), dbSNP rs759815636, ClinGen allele CA5231565.

ClinVar aggregate classification (germline): Likely benign. Review status: criteria provided, multiple submitters, no conflicts (2 of 4 stars). 4 submissions from 4 submitters: Likely benign (3). 1 of the submissions does not count toward it. Last evaluated 2025-08-23.

Conditions:
CRB2-related disorder. Also called: CRB2-related condition; CRB2-related disorders.

Allele frequency attached by ClinVar (database versions not stated): gnomAD exomes 0.00006; TOPMed 0.00006; ExAC 0.00007; gnomAD 0.00007.
gnomAD v4.1: 177 of 1,601,476 alleles (0.011%); highest among the groups gnomAD compares: South Asian, 0.02%; no homozygotes.

Submissions (4):

Labcorp Genetics (formerly Invitae), Labcorp
Classification: Likely benign. Last evaluated: 2025-08-23. Review status: criteria provided, single submitter. Criteria: Invitae Variant Classification Sherloc (09022015). Collection method: clinical testing. Allele origin: germline.

Blueprint Genetics
Classification: Likely benign. Last evaluated: 2024-06-19. Review status: criteria provided, single submitter. Criteria: ACMG Guidelines, 2015. Collection method: clinical testing. Allele origin: germline.

CeGaT Center for Human Genetics Tuebingen
Classification: Likely benign. Last evaluated: 2022-09-01. Review status: criteria provided, single submitter. Criteria: CeGaT Center For Human Genetics Tuebingen Variant Classification Criteria Version 2. Collection method: clinical testing. Allele origin: germline. Affected: yes. Observed: 1 variant allele.
Comment: CRB2: BP4, BP7

PreventionGenetics, part of Exact Sciences
Classification: Likely benign for CRB2-related condition. Last evaluated: 2019-08-29. Review status: no assertion criteria provided. Collection method: clinical testing. Allele origin: germline. Not counted in ClinVar's aggregate classification.
Comment: This variant is classified as likely benign based on ACMG/AMP sequence variant interpretation guidelines (Richards et al. 2015 PMID: 25741868, with internal and published modifications).